The following is an entry in ClinVar:

NM_006648.4(WNK2):c.1678A>C (p.Ser560Arg)

Gene: WNK2 (WNK lysine deficient protein kinase 2; plus strand). Cytogenetic location: 9q22.31.
Variant type: single nucleotide variant.
Coding change: c.1678A>C on transcript NM_006648.4 (MANE Select); coding-DNA position 1678, A replaced by C.
Protein change: p.Ser560Arg; replaces serine 560 with arginine.
Molecular consequence: missense variant.
Genome position (GRCh38, 1-based): chr9:93,247,678, A>C. VCF-style: chr9-93247678-A-C. GRCh37 (hg19) VCF-style: chr9-96009960-A-C.
Other names: c.1678A>C, p.Ser560Arg (NM_001282394.3); short protein forms S560R.
Identifiers: ClinVar variation 4201536 (VCV004201536.1).

ClinVar aggregate classification (germline): Uncertain significance (1 of 4 stars; one submission).

Submission:

Ambry Genetics
Classification: Uncertain significance. Last evaluated: 2025-06-21. Review status: criteria provided, single submitter. Criteria: Ambry Variant Classification Scheme 2023. Collection method: clinical testing. Allele origin: germline.
Comment: The p.S560R variant (also known as c.1678A>C), located in coding exon 7 of the WNK2 gene, results from an A to C substitution at nucleotide position 1678. The serine at codon 560 is replaced by arginine, an amino acid with dissimilar properties. This amino acid position is conserved. In addition, this alteration is predicted to be tolerated by in silico analysis. Based on the available evidence, the clinical significance of this variant remains unclear.